The following is an entry in ClinVar:

ClinVar aggregate classification (germline): Pathogenic. Review status: criteria provided, multiple submitters, no conflicts (2 of 4 stars). 4 submissions from 4 submitters: Pathogenic (3). 1 of the submissions does not count toward it. Last evaluated 2025-04-10.

Conditions:
Methylmalonic aciduria due to complete methylmalonyl-CoA mutase deficiency.
Methylmalonic acidemia (MMA). Also called: Isolated Methylmalonic Acidemia. Identifiers: MedGen C0268583, MeSH C537358, MONDO:0002012, HP:0002912.
Methylmalonic aciduria due to methylmalonyl-CoA mutase deficiency (MAMM). Also called: Methylmalonic aciduria, mut type. Identifiers: Orphanet 27, MedGen C1855114, MONDO:0009612, OMIM 251000.

Allele frequency attached by ClinVar (database versions not stated): TOPMed below 0.00001; gnomAD 0.00001.
gnomAD v4.1: 7 of 1,528,846 alleles (0.00046%); highest among the groups gnomAD compares: East Asian, 0.0091%; no homozygotes.

Submissions (4):

Natera, Inc.
Classification: Pathogenic for Methylmalonic aciduria due to complete methylmalonyl-CoA mutase deficiency. Last evaluated: 2025-04-10. Review status: criteria provided, single submitter. Criteria: Natera Variant Classification Schema (03/2026). Collection method: clinical testing. Allele origin: germline.
Comment: The c.1560+1G>T variant in MMUT is a canonical splice donor site variant predicted to affect pre-mRNA splicing, which may result in an abnormal transcript and altered protein product. This variant is expected to result in nonsense mediated decay, truncation, or a dysfunctional protein product. This variant is rare in the general population with a frequency below the threshold expected for the associated phenotype(s). This variant has been observed in one or more individuals affected with the associated recessive disease, as either homozygous or compound heterozygous with a second variant (PMID: 25689098, 15643616). Given the available evidence, this variant is classified as Pathogenic.

Labcorp Genetics (formerly Invitae), Labcorp
Classification: Pathogenic. Last evaluated: 2020-05-13. Review status: criteria provided, single submitter. Criteria: Invitae Variant Classification Sherloc (09022015). Collection method: clinical testing. Allele origin: germline.
Comment: For these reasons, this variant has been classified as Pathogenic. Donor and acceptor splice site variants typically lead to a loss of protein function (PMID: 16199547), and loss-of-function variants in MUT are known to be pathogenic (PMID: 15781192). This variant has been observed in combination with another MUT variant in several individuals affected with methylmalonic aciduria (PMID: 15643616, 17075691). This variant is not present in population databases (ExAC no frequency). This sequence change affects a donor splice site in intron 8 of the MUT gene. It is expected to disrupt RNA splicing and likely results in an absent or disrupted protein product.

Women's Health and Genetics/Laboratory Corporation of America, LabCorp
Classification: Pathogenic for Methylmalonic acidemia. Last evaluated: 2019-06-13. Review status: criteria provided, single submitter. Criteria: LabCorp Variant Classification Summary - May 2015. Collection method: clinical testing. Allele origin: germline.
Comment: Variant summary: MUT c.1560+1G>T is located in a canonical splice-site and is predicted to affect mRNA splicing resulting in a significantly altered protein due to either exon skipping, shortening, or inclusion of intronic material. 5/5 computational tools predict the variant abolishes a 5 prime splicing donor site and a significant impact on normal splicing. However, these predictions have yet to be confirmed by functional studies. The variant was absent in 247968 control chromosomes (gnomAD). The variant, c.1560+1G>T, has been reported in the literature in multiple individuals affected with Methylmalonic Acidemia (Cavicchi_2005, Acquaviva_2005, Sakamoto_2007). These data indicate that the variant is very likely to be associated with disease. To our knowledge, no experimental evidence demonstrating an impact on protein function has been reported. One ClinVar submission from other clinical diagnostic laboratories (evaluation after 2014) cites the variant as pathogenic. Based on the evidence outlined above, the variant was classified as pathogenic.

Counsyl
Classification: Pathogenic for Methylmalonic aciduria due to methylmalonyl-CoA mutase deficiency. Last evaluated: 2017-09-06. Review status: no assertion criteria provided. Collection method: clinical testing. Allele origin: unknown. Not counted in ClinVar's aggregate classification.

Literature cited by the submitters: PubMed 25689098 (cited by Natera, Inc. and Women's Health and Genetics/Laboratory Corporation of America, LabCorp); PubMed 15643616 (cited by 3 submitters); PubMed 16199547 (cited by Labcorp Genetics (formerly Invitae), Labcorp); PubMed 15781192 (cited by Labcorp Genetics (formerly Invitae), Labcorp); PubMed 17075691 (cited by 3 submitters); PubMed 27233228 (cited by Women's Health and Genetics/Laboratory Corporation of America, LabCorp); PubMed 21114891 (cited by Women's Health and Genetics/Laboratory Corporation of America, LabCorp); PubMed 16435223 (cited by Women's Health and Genetics/Laboratory Corporation of America, LabCorp and Counsyl); PubMed 10923046 (cited by Women's Health and Genetics/Laboratory Corporation of America, LabCorp).

NM_000255.4(MMUT):c.1560+1G>T

Gene: MMUT (methylmalonyl-CoA mutase; minus strand). Cytogenetic location: 6p12.3.
Variant type: single nucleotide variant.
Coding change: c.1560+1G>T on transcript NM_000255.4 (MANE Select); the canonical splice donor site of the intron after coding-DNA position 1560, G replaced by T.
Molecular consequence: splice donor variant.
Genome position (GRCh38, 1-based): chr6:49,447,669, C>A on the plus strand (G>T on the coding strand, the complement: MMUT is on the minus strand). VCF-style: chr6-49447669-C-A. GRCh37 (hg19) VCF-style: chr6-49415382-C-A.
Identifiers: ClinVar variation 203849 (VCV000203849.14), dbSNP rs200019422, ClinGen allele CA312768.